The following is an entry in ClinVar:

ClinVar aggregate classification (germline): Uncertain significance (1 of 4 stars; one submission).

Conditions:
Hereditary sensory neuropathy-deafness-dementia syndrome. Also called: Hereditary sensory neuropathy type IE; HSN IE; NEUROPATHY, HEREDITARY SENSORY, WITH HEARING LOSS AND DEMENTIA; Hereditary Sensory and Autonomic Neuropathy Type 1E (HSAN1E). Identifiers: Orphanet 456318, MedGen C3279885, MONDO:0013584, OMIM 614116.

Allele frequency attached by ClinVar (database versions not stated): gnomAD exomes 0.00002.
gnomAD v4.1: 17 of 1,614,166 alleles (0.0011%); highest among the groups gnomAD compares: Non-Finnish European, 0.0014%; no homozygotes.

Submission:

Labcorp Genetics (formerly Invitae), Labcorp
Classification: Uncertain significance for Hereditary sensory neuropathy-deafness-dementia syndrome. Last evaluated: 2022-12-11. Review status: criteria provided, single submitter. Criteria: Invitae Variant Classification Sherloc (09022015). Collection method: clinical testing. Allele origin: germline.
Comment: In summary, the available evidence is currently insufficient to determine the role of this variant in disease. Therefore, it has been classified as a Variant of Uncertain Significance. Advanced modeling of protein sequence and biophysical properties (such as structural, functional, and spatial information, amino acid conservation, physicochemical variation, residue mobility, and thermodynamic stability) performed at Invitae indicates that this missense variant is not expected to disrupt DNMT1 protein function. This variant has not been reported in the literature in individuals affected with DNMT1-related conditions. This variant is not present in population databases (gnomAD no frequency). This sequence change replaces cysteine, which is neutral and slightly polar, with arginine, which is basic and polar, at codon 1017 of the DNMT1 protein (p.Cys1017Arg).

NM_001130823.3(DNMT1):c.3049T>C (p.Cys1017Arg)

Gene: DNMT1 (DNA methyltransferase 1; minus strand). Cytogenetic location: 19p13.2.
Variant type: single nucleotide variant.
Coding change: c.3049T>C on transcript NM_001130823.3 (MANE Select); coding-DNA position 3049, T replaced by C.
Protein change: p.Cys1017Arg; replaces cysteine 1017 with arginine.
Molecular consequence: missense variant.
Genome position (GRCh38, 1-based): chr19:10,143,833, A>G on the plus strand (T>C on the coding strand, the complement: DNMT1 is on the minus strand). VCF-style: chr19-10143833-A-G. GRCh37 (hg19) VCF-style: chr19-10254509-A-G.
Other names: c.3001T>C, p.Cys1001Arg (NM_001318730.2, NM_001379.4); c.2686T>C, p.Cys896Arg (NM_001318731.2); short protein forms C896R, C1001R, C1017R.
Identifiers: ClinVar variation 2820116 (VCV002820116.3), dbSNP rs2513790915, ClinGen allele CA403975730.